The following is an entry in ClinVar:

NM_000465.4(BARD1):c.365-4T>C

Gene: BARD1 (BRCA1 associated RING domain 1; minus strand). Cytogenetic location: 2q35.
Variant type: single nucleotide variant.
Coding change: c.365-4T>C on transcript NM_000465.4 (MANE Select); 4 bases into the intron before coding-DNA position 365, T replaced by C.
Molecular consequence: intron variant.
Genome position (GRCh38, 1-based): chr2:214,781,513, A>G on the plus strand (T>C on the coding strand, the complement: BARD1 is on the minus strand). VCF-style: chr2-214781513-A-G. GRCh37 (hg19) VCF-style: chr2-215646237-A-G.
Other names: c.365-4T>C (LRG_297t1); c.158+27899T>C (NM_001282548.2); c.308-4T>C (NM_001282543.2); c.215+15548T>C (NM_001282545.2); c.364+10784T>C (NM_001282549.2).
Identifiers: ClinVar variation 481370 (VCV000481370.12), dbSNP rs1553622735, ClinGen allele CA658657212.
Genomic context (GRCh38, chr2:214,781,513, plus strand): 5'-TCTTCTTGTTTCCTGCATCATTAAACAAACTTTTCCTAGGTTTATCTTCTTTCAAATCTG[A>G]CAGAAAAAAAGAAAAAGAAATCTGTTACATGAAATTTATTGCTCCCACATGGAGCTCCCG-3'

ClinVar aggregate classification (germline): Likely benign. Review status: criteria provided, multiple submitters, no conflicts (2 of 4 stars). 3 submissions from 3 submitters: Likely benign (3). Last evaluated 2026-02-06.

Conditions:
Hereditary cancer-predisposing syndrome. Also called: Tumor predisposition; Hereditary Cancer Syndrome; Neoplastic Syndromes, Hereditary; Hereditary neoplastic syndrome. Identifiers: Orphanet 140162, MedGen C0027672, MeSH D009386, MONDO:0015356.
Familial cancer of breast. Also called: Hereditary breast cancer; BREAST CANCER, FAMILIAL; hereditary breast carcinoma. Identifiers: Orphanet 227535, MedGen C0346153, MONDO:0016419, OMIM 114480. Disease mechanism: loss of function.

Allele frequency attached by ClinVar (database versions not stated): gnomAD exomes below 0.00001.
gnomAD v4.1: 1 of 1,604,976 alleles (0.000062%); highest among the groups gnomAD compares: Middle Eastern, 0.017%; no homozygotes.

Submissions (3):

Ambry Genetics
Classification: Likely benign for Hereditary cancer-predisposing syndrome. Last evaluated: 2026-02-06. Review status: criteria provided, single submitter. Criteria: Ambry Variant Classification Scheme 2023. Collection method: clinical testing. Allele origin: germline.

Myriad Genetics, Inc.
Classification: Likely benign for Familial cancer of breast. Last evaluated: 2024-07-19. Review status: criteria provided, single submitter. Criteria: Myriad Autosomal Dominant, Autosomal Recessive and X-Linked Classification Criteria (2023). Collection method: clinical testing. Allele origin: unknown.
Comment: This variant is considered likely benign. This variant is intronic and is not expected to impact mRNA splicing.

Labcorp Genetics (formerly Invitae), Labcorp
Classification: Likely benign for Familial cancer of breast. Last evaluated: 2022-02-01. Review status: criteria provided, single submitter. Criteria: Invitae Variant Classification Sherloc (09022015). Collection method: clinical testing. Allele origin: germline.